The following is an entry in ClinVar:

NM_172107.4(KCNQ2):c.583T>C (p.Ser195Pro)

Gene: KCNQ2 (potassium voltage-gated channel subfamily Q member 2; minus strand). Cytogenetic location: 20q13.33.
Variant type: single nucleotide variant.
Coding change: c.583T>C on transcript NM_172107.4 (MANE Select); coding-DNA position 583, T replaced by C.
Protein change: p.Ser195Pro; replaces serine 195 with proline.
Molecular consequence: missense variant.
Genome position (GRCh38, 1-based): chr20:63,444,766, A>G on the plus strand (T>C on the coding strand, the complement: KCNQ2 is on the minus strand). VCF-style: chr20-63444766-A-G. GRCh37 (hg19) VCF-style: chr20-62076119-A-G.
Other names: p.S195P:TCT>CCT; c.583T>C, p.Ser195Pro (NM_004518.6, NM_172106.3, NM_172108.5 and 1 more transcripts); short protein forms S195P.
Identifiers: ClinVar variation 205866 (VCV000205866.15), dbSNP rs796052620, ClinGen allele CA315359.
Genomic context (GRCh38, chr20:63,444,766, plus strand): 5'-CCCGCCGGTCCATGCGGATCATCCGCAGAATCTGCAGGAAGCGCAGGCTCCGGAGCGCAG[A>G]TGTGGCAAAGACGTTGCCCTGGGAGCCGGCGGCCAGCACCGCAATGGAGGCGATGAGCAC-3'
Protein context (NP_742105.1, residues 185-205): AGSQGNVFAT[Ser195Pro]ALRSLRFLQI

ClinVar aggregate classification (germline): Pathogenic. Review status: criteria provided, multiple submitters, no conflicts (2 of 4 stars). 4 submissions from 4 submitters: Pathogenic (3). 1 of the submissions does not count toward it. Last evaluated 2022-08-10.

Conditions:
Early-infantile DEE. Also called: Ohtahara syndrome; Early infantile epileptic encephalopathy; Early infantile epileptic encephalopathy with suppression bursts. Identifiers: Orphanet 1934, MedGen C0393706, MONDO:0800491.
Inborn genetic diseases. Identifiers: MedGen C0950123, MeSH D030342.
Developmental and epileptic encephalopathy, 7 (DEE7). Also called: KCNQ2-Related Neonatal-Onset Developmental and Epileptic Encephalopathy (NEO-DEE); Early infantile epileptic encephalopathy 7; KCNQ2-Related Neonatal Epileptic Encephalopathy. Identifiers: Orphanet 439218, MedGen C3150986, MONDO:0013387, OMIM 613720.

Submissions (4):

Labcorp Genetics (formerly Invitae), Labcorp
Classification: Pathogenic for Early-infantile DEE. Last evaluated: 2022-08-10. Review status: criteria provided, single submitter. Criteria: Invitae Variant Classification Sherloc (09022015). Collection method: clinical testing. Allele origin: germline.
Comment: Advanced modeling of protein sequence and biophysical properties (such as structural, functional, and spatial information, amino acid conservation, physicochemical variation, residue mobility, and thermodynamic stability) performed at Invitae indicates that this missense variant is expected to disrupt KCNQ2 protein function. ClinVar contains an entry for this variant (Variation ID: 205866). This missense change has been observed in individual(s) with clinical features of KCNQ2-related conditions (PMID: 24107868; Invitae). In at least one individual the variant was observed to be de novo. This variant is not present in population databases (gnomAD no frequency). This sequence change replaces serine, which is neutral and polar, with proline, which is neutral and non-polar, at codon 195 of the KCNQ2 protein (p.Ser195Pro). For these reasons, this variant has been classified as Pathogenic.

Ambry Genetics
Classification: Pathogenic for Inborn genetic diseases. Last evaluated: 2016-03-09. Review status: criteria provided, single submitter. Criteria: Ambry Variant Classification Scheme 2023. Collection method: clinical testing. Allele origin: germline.
Comment: worked up for close match - no RD needed until we see in house.

GeneDx
Classification: Pathogenic. Last evaluated: 2012-09-17. Review status: criteria provided, single submitter. Criteria: GeneDx Variant Classification (06012015). Collection method: clinical testing. Allele origin: germline. Affected: yes.
Comment: p.Ser195Pro (TCT>CCT):c.583 T>C in exon 4 of the KCNQ2 gene (NM_172107.2)The Ser195Pro missense change has not been published as a mutation, nor has it been reported as a benign polymorphism to our knowledge. The NHLBI ESP Exome Variant Project has not identified Ser195Pro in approximately 6,500 individuals of European or African American ethnicity, indicating that it is not a common benign variant in these populations. The amino acid substitution is non-conservative, as a polar Serine is replaced by a non-polar Proline, and the gain of a bulky Proline residue may alter the secondary structure of the protein. Ser195Pro alters a highly conserved position in the linker region between the S3 and S4 transmembrane segments of the protein. Some in silico algorithms predict Ser195Pro may be damaging to protein structure/function, although one model suggests it is benign. Therefore, based on the currently available information, it is unclear whether Ser195Pro is a disease-causing mutation or a rare benign variant. The variant is found in INFANT-EPI panel(s).

GeneReviews
No classification provided. Condition: Developmental and epileptic encephalopathy, 7. Review status: no classification provided. Collection method: literature only. Allele origin: germline. Affected: yes. Not counted in ClinVar's aggregate classification.
Comment: Infantile spasms

Literature cited by the submitters: PubMed 24107868 (cited by Labcorp Genetics (formerly Invitae), Labcorp and GeneReviews); NCBI Bookshelf NBK32534 (cited by GeneReviews).